The following is an entry in ClinVar:

NM_001378615.1(CC2D2A):c.1766G>A (p.Arg589Lys)

Genes: CC2D2A (coiled-coil and C2 domain containing 2A; plus strand), FBXL5 (F-box and leucine rich repeat protein 5; minus strand). Cytogenetic location: 4p15.32.
Variant type: single nucleotide variant.
Coding change: c.1766G>A on transcript NM_001378615.1 (MANE Select); coding-DNA position 1766, G replaced by A.
Protein change: p.Arg589Lys; replaces arginine 589 with lysine.
Molecular consequence: missense variant.
Genome position (GRCh38, 1-based): chr4:15,537,900, G>A. VCF-style: chr4-15537900-G-A. GRCh37 (hg19) VCF-style: chr4-15539523-G-A.
Other names: c.1766G>A, p.Arg589Lys (NM_001080522.2); c.1619G>A, p.Arg540Lys (NM_001378617.1); short protein forms R540K, R589K.
Identifiers: ClinVar variation 969922 (VCV000969922.11), dbSNP rs763477416, ClinGen allele CA2863765.
Genomic context (GRCh38, chr4:15,537,900, plus strand): 5'-TGCTCTTAAATGAAATTCCAAAATTCCTGTTTGATATCATGTTGCCTCTAACTCAACAGA[G>A]GGCCAAGAAGAAGAAAAGGAAACAAGCAGCAGAAGAACATCCCGGTGATGAGATTGCAGA-3'
Protein context (NP_001365544.1, residues 579-599): QQWKAWRKVQ[Arg589Lys]AKKKKRKQAA

ClinVar aggregate classification (germline): Uncertain significance. Review status: criteria provided, multiple submitters, no conflicts (2 of 4 stars). 6 submissions from 6 submitters: Uncertain significance (4). 2 of the submissions do not count toward it. Last evaluated 2026-05-08.

Conditions:
Inborn genetic diseases. Identifiers: MedGen C0950123, MeSH D030342.
Joubert syndrome. Also called: JOUBERT-BOLTSHAUSER SYNDROME; Familial aplasia of the vermis. Identifiers: Orphanet 475, MedGen C5979921, MONDO:0018772.
Meckel-Gruber syndrome. Also called: Dysencephalia splachnocystica; DYSENCEPHALIA SPLANCHNOCYSTICA; GRUBER SYNDROME. Identifiers: Orphanet 564, MedGen C0265215, MONDO:0018921.
COACH syndrome 2. Identifiers: MedGen C5436837, MONDO:0030859, OMIM 619111.
Meckel syndrome, type 6. Identifiers: Orphanet 564, MedGen C2676790, MONDO:0012848, OMIM 612284.
Joubert syndrome 9 (JBTS9). Identifiers: Orphanet 2318, MedGen C2676788, MONDO:0012849, OMIM 612285.
Retinitis pigmentosa 93. Identifiers: MedGen C5676970, MONDO:0030797, OMIM 619845.
CC2D2A-related disorder. Also called: CC2D2A-related condition; CC2D2A-related disorders. Identifiers: MedGen CN239313.

Allele frequency attached by ClinVar (database versions not stated): ExAC 0.00006; gnomAD exomes 0.00006 and 0.00008; gnomAD 0.00007 and 0.00009; TOPMed 0.00015.

Submissions (6):

PreventionGenetics, part of Exact Sciences
Classification: Uncertain significance for CC2D2A-related condition. Last evaluated: 2026-05-08. Review status: criteria provided, single submitter. Criteria: ACMG Guidelines, 2015. Collection method: clinical testing. Allele origin: germline.
Comment: The CC2D2A c.1766G>A variant is predicted to result in the amino acid substitution p.Arg589Lys. This variant is located 2 nucleotides from the splice acceptor site for exon 17 and is predicted to alter splicing based on available splicing prediction software (SpliceAI, Jaganathan et al. 2019. PubMed ID: 30661751). However, the use of computer prediction software is not equivalent to functional evidence. This variant has been reported as a variant of uncertain significance in an individual with retinal/optic disc nerve disease (Table S12, Diñeiro et al. 2020. PubMed ID: 32483926). This variant is reported in 0.032% of alleles in individuals of Latino descent in gnomAD. At this time, the clinical significance of this variant is uncertain due to the absence of conclusive functional and genetic evidence.

Ambry Genetics
Classification: Uncertain significance for Inborn genetic diseases. Last evaluated: 2025-06-20. Review status: criteria provided, single submitter. Criteria: Ambry Variant Classification Scheme 2023. Collection method: clinical testing. Allele origin: germline.

Fulgent Genetics
Classification: Uncertain significance for Meckel syndrome, type 6; Joubert syndrome 9; COACH syndrome 2; Retinitis pigmentosa 93. Last evaluated: 2024-01-30. Review status: criteria provided, single submitter. Criteria: ACMG Guidelines, 2015. Collection method: clinical testing. Allele origin: germline.

Labcorp Genetics (formerly Invitae), Labcorp
Classification: Uncertain significance for Joubert syndrome; Meckel-Gruber syndrome. Last evaluated: 2022-10-24. Review status: criteria provided, single submitter. Criteria: Invitae Variant Classification Sherloc (09022015). Collection method: clinical testing. Allele origin: germline.
Comment: This sequence change replaces arginine, which is basic and polar, with lysine, which is basic and polar, at codon 589 of the CC2D2A protein (p.Arg589Lys). This variant is present in population databases (rs763477416, gnomAD 0.03%). This variant has not been reported in the literature in individuals affected with CC2D2A-related conditions. ClinVar contains an entry for this variant (Variation ID: 969922). Algorithms developed to predict the effect of missense changes on protein structure and function output the following: SIFT: "Tolerated"; PolyPhen-2: "Benign"; Align-GVGD: "Class C0". The lysine amino acid residue is found in multiple mammalian species, which suggests that this missense change does not adversely affect protein function. Algorithms developed to predict the effect of sequence changes on RNA splicing suggest that this variant may create or strengthen a splice site. In summary, the available evidence is currently insufficient to determine the role of this variant in disease. Therefore, it has been classified as a Variant of Uncertain Significance.

Clinical Genetics DNA and cytogenetics Diagnostics Lab, Erasmus MC, Erasmus Medical Center
Classification: Likely benign. Review status: no assertion criteria provided. Collection method: clinical testing. Allele origin: germline. Affected: yes. Study: VKGL Data-share Consensus. Not counted in ClinVar's aggregate classification.

Clinical Genetics, Academic Medical Center
Classification: Likely benign. Review status: no assertion criteria provided. Collection method: clinical testing. Allele origin: germline. Affected: yes. Study: VKGL Data-share Consensus. Not counted in ClinVar's aggregate classification.

Literature cited by the submitters: PubMed 32483926 (cited by Ambry Genetics).